The following is an entry in ClinVar:

NM_001205293.3(CACNA1E):c.3156C>G (p.Asp1052Glu)

Gene: CACNA1E (calcium voltage-gated channel subunit alpha1 E; plus strand). Cytogenetic location: 1q25.3.
Variant type: single nucleotide variant.
Coding change: c.3156C>G on transcript NM_001205293.3 (MANE Select); coding-DNA position 3156, C replaced by G.
Protein change: p.Asp1052Glu; replaces aspartic acid 1052 with glutamic acid.
Molecular consequence: missense variant.
Genome position (GRCh38, 1-based): chr1:181,733,644, C>G. VCF-style: chr1-181733644-C-G. GRCh37 (hg19) VCF-style: chr1-181702780-C-G.
Other names: c.3156C>G, p.Asp1052Glu (NM_000721.4); c.3099C>G, p.Asp1033Glu (NM_001205294.2); short protein forms D1052E, D1033E.
Identifiers: ClinVar variation 3692657 (VCV003692657.2).

ClinVar aggregate classification (germline): Uncertain significance (1 of 4 stars; one submission).

gnomAD v4.1: 1 of 1,613,142 alleles (0.000062%); highest among the groups gnomAD compares: Non-Finnish European, 0.000085%; no homozygotes.

Submission:

Labcorp Genetics (formerly Invitae), Labcorp
Classification: Uncertain significance. Last evaluated: 2024-05-21. Review status: criteria provided, single submitter. Criteria: Invitae Variant Classification Sherloc (09022015). Collection method: clinical testing. Allele origin: germline.
Comment: This sequence change replaces aspartic acid, which is acidic and polar, with glutamic acid, which is acidic and polar, at codon 1052 of the CACNA1E protein (p.Asp1052Glu). This variant is not present in population databases (gnomAD no frequency). This variant has not been reported in the literature in individuals affected with CACNA1E-related conditions. Advanced modeling of protein sequence and biophysical properties (such as structural, functional, and spatial information, amino acid conservation, physicochemical variation, residue mobility, and thermodynamic stability) has been performed at Invitae for this missense variant, however the output from this modeling did not meet the statistical confidence thresholds required to predict the impact of this variant on CACNA1E protein function. In summary, the available evidence is currently insufficient to determine the role of this variant in disease. Therefore, it has been classified as a Variant of Uncertain Significance.